The following is an entry in ClinVar:

NM_019842.4(KCNQ5):c.271G>T (p.Gly91Trp)

Genes: KCNQ5 (potassium voltage-gated channel subfamily Q member 5; plus strand), KCNQ5-DT (KCNQ5 divergent transcript; minus strand). Cytogenetic location: 6q13.
Variant type: single nucleotide variant.
Coding change: c.271G>T on transcript NM_019842.4 (MANE Select); coding-DNA position 271, G replaced by T.
Protein change: p.Gly91Trp; replaces glycine 91 with tryptophan.
Molecular consequence: missense variant.
Genome position (GRCh38, 1-based): chr6:72,622,460, G>T. VCF-style: chr6-72622460-G-T. GRCh37 (hg19) VCF-style: chr6-73332188-G-T.
Other names: c.271G>T, p.Gly91Trp (NM_001160130.2, NM_001160132.2, NM_001160133.2 and 1 more transcripts); c.271G>T (NM_001160133.1); short protein forms G91W.
Identifiers: ClinVar variation 2706159 (VCV002706159.4), dbSNP rs2481569383, ClinGen allele CA364824492.

ClinVar aggregate classification (germline): Uncertain significance. Review status: criteria provided, multiple submitters, no conflicts (2 of 4 stars). 2 submissions from 2 submitters: Uncertain significance (2). Last evaluated 2025-05-14.

Submissions (2):

GeneDx
Classification: Uncertain significance. Last evaluated: 2025-05-14. Review status: criteria provided, single submitter. Criteria: GeneDx Variant Classification Process June 2021. Collection method: clinical testing. Allele origin: germline. Affected: yes.
Comment: Not observed at significant frequency in large population cohorts (gnomAD); In silico analysis supports that this missense variant has a deleterious effect on protein structure/function; Has not been previously published as pathogenic or benign to our knowledge

Labcorp Genetics (formerly Invitae), Labcorp
Classification: Uncertain significance. Last evaluated: 2024-02-26. Review status: criteria provided, single submitter. Criteria: Invitae Variant Classification Sherloc (09022015). Collection method: clinical testing. Allele origin: germline.
Comment: This sequence change replaces glycine, which is neutral and non-polar, with tryptophan, which is neutral and slightly polar, at codon 91 of the KCNQ5 protein (p.Gly91Trp). This variant is not present in population databases (gnomAD no frequency). This variant has not been reported in the literature in individuals affected with KCNQ5-related conditions. Advanced modeling of protein sequence and biophysical properties (such as structural, functional, and spatial information, amino acid conservation, physicochemical variation, residue mobility, and thermodynamic stability) performed at Invitae indicates that this missense variant is expected to disrupt KCNQ5 protein function with a positive predictive value of 95%. In summary, the available evidence is currently insufficient to determine the role of this variant in disease. Therefore, it has been classified as a Variant of Uncertain Significance.